The following is an entry in ClinVar:

ClinVar aggregate classification (germline): Likely benign (0 of 4 stars; one submission).

Conditions:
RNF213-related disorder. Also called: RNF213-related condition.

Allele frequency attached by ClinVar (database versions not stated): TOPMed below 0.00001; ExAC 0.00001; gnomAD exomes 0.00003.
gnomAD v4.1: 43 of 1,612,968 alleles (0.0027%); highest among the groups gnomAD compares: South Asian, 0.0044%; no homozygotes.

Submission:

PreventionGenetics, part of Exact Sciences
Classification: Likely benign for RNF213-related condition. Last evaluated: 2023-07-27. Review status: no assertion criteria provided. Collection method: clinical testing. Allele origin: germline.
Comment: This variant is classified as likely benign based on ACMG/AMP sequence variant interpretation guidelines (Richards et al. 2015 PMID: 25741868, with internal and published modifications).

NM_001256071.3(RNF213):c.11340G>A (p.Thr3780=)

Genes: RNF213 (ring finger protein 213; plus strand), RNF213-AS1 (RNF213 antisense RNA 1; minus strand). Cytogenetic location: 17q25.3.
Variant type: single nucleotide variant.
Coding change: c.11340G>A on transcript NM_001256071.3 (MANE Select); coding-DNA position 11340, G replaced by A.
Protein change: p.Thr3780=; no amino-acid change (threonine 3780 retained).
Molecular consequence: synonymous variant.
Genome position (GRCh38, 1-based): chr17:80,361,873, G>A. VCF-style: chr17-80361873-G-A. GRCh37 (hg19) VCF-style: chr17-78335673-G-A.
Other names: c.11487G>A, p.Thr3829= (NM_001410195.1, NM_020914.5).
Identifiers: ClinVar variation 3030730 (VCV003030730.2), dbSNP rs769064475, ClinGen allele CA8821771.